The following is an entry in ClinVar:

ClinVar aggregate classification (germline): Likely benign. Review status: criteria provided, multiple submitters, no conflicts (2 of 4 stars). 2 submissions from 2 submitters: Likely benign (2). Last evaluated 2018-06-14.

Allele frequency attached by ClinVar (database versions not stated): 1000 Genomes Project 30x 0.01327; 1000 Genomes Project 0.01338; gnomAD 0.01564 and 0.01607; TOPMed 0.01390; gnomAD exomes 0.02115.

Submissions (2):

GeneDx
Classification: Likely benign. Last evaluated: 2018-06-14. Review status: criteria provided, single submitter. Criteria: GeneDx Variant Classification (06012015). Collection method: clinical testing. Allele origin: germline. Affected: yes.
Comment: This variant is considered likely benign or benign based on one or more of the following criteria: it is a conservative change, it occurs at a poorly conserved position in the protein, it is predicted to be benign by multiple in silico algorithms, and/or has population frequency not consistent with disease.

Breakthrough Genomics
Classification: Likely benign. Review status: criteria provided, single submitter. Criteria: ACMG Guidelines, 2015. Collection method: not provided. Allele origin: germline. Inheritance: Autosomal recessive inheritance. Affected: yes.

NM_001182.4(ALDH7A1):c.-300T>A

Gene: ALDH7A1 (aldehyde dehydrogenase 7 family member A1; minus strand). Cytogenetic location: 5q23.2.
Variant type: single nucleotide variant.
Coding change: c.-300T>A on transcript NM_001182.4; 300 bases upstream of the start codon, T replaced by A.
Genome position (GRCh38, 1-based): chr5:126,595,498, A>T on the plus strand (T>A on the coding strand, the complement: ALDH7A1 is on the minus strand). VCF-style: chr5-126595498-A-T. GRCh37 (hg19) VCF-style: chr5-125931190-A-T.
Identifiers: ClinVar variation 676668 (VCV000676668.4), dbSNP rs35569843, ClinGen allele CA126928116.
Genomic context (GRCh38, chr5:126,595,498, plus strand): 5'-AGTTCCAGCTGGGAATTCTTTTCAGCAAAATATTGGCGCTGAAGTACAGTAGGCTATAGC[A>T]GGGGTTCTGAAACTGTAAAATGCGTGTAATGACCTGGTCGTCGTGGTAAATGCACATTCT-3'